The following is an entry in ClinVar:

ClinVar aggregate classification (germline): Likely benign (1 of 4 stars; one submission).

Allele frequency attached by ClinVar (database versions not stated): 1000 Genomes Project 0.00260; 1000 Genomes Project 30x 0.00297; gnomAD 0.00435; TOPMed 0.00477; ExAC 0.00483; gnomAD exomes 0.00599; ESP Exome Variant Server 0.00615.
gnomAD v4.1: 9,329 of 1,613,982 alleles (0.58%); highest among the groups gnomAD compares: Non-Finnish European, 0.72%; 29 homozygotes.

Submission:

CeGaT Center for Human Genetics Tuebingen
Classification: Likely benign. Last evaluated: 2022-05-01. Review status: criteria provided, single submitter. Criteria: CeGaT Center For Human Genetics Tuebingen Variant Classification Criteria Version 2. Collection method: clinical testing. Allele origin: germline. Affected: yes. Observed: 1 variant allele.
Comment: FOXRED2: BP4, BP7

NM_001102371.2(FOXRED2):c.1200C>T (p.His400=)

Gene: FOXRED2 (FAD dependent oxidoreductase domain containing 2; minus strand). Cytogenetic location: 22q12.3.
Variant type: single nucleotide variant.
Coding change: c.1200C>T on transcript NM_001102371.2 (MANE Select); coding-DNA position 1200, C replaced by T.
Protein change: p.His400=; no amino-acid change (histidine 400 retained).
Molecular consequence: synonymous variant.
Genome position (GRCh38, 1-based): chr22:36,501,257, G>A on the plus strand (C>T on the coding strand, the complement: FOXRED2 is on the minus strand). VCF-style: chr22-36501257-G-A. GRCh37 (hg19) VCF-style: chr22-36897304-G-A.
Other names: c.930C>T, p.His310= (NM_001363041.2, NM_001363042.2); c.1200C>T, p.His400= (NM_024955.6).
Identifiers: ClinVar variation 2653106 (VCV002653106.24), dbSNP rs141576694, ClinGen allele CA10211221.